The following is an entry in ClinVar:

NM_012309.5(SHANK2):c.827G>A (p.Gly276Asp)

Gene: SHANK2 (SH3 and multiple ankyrin repeat domains 2; minus strand). Cytogenetic location: 11q13.4.
Variant type: single nucleotide variant.
Coding change: c.827G>A on transcript NM_012309.5 (MANE Select); coding-DNA position 827, G replaced by A.
Protein change: p.Gly276Asp; replaces glycine 276 with aspartic acid.
Molecular consequence: missense variant.
Genome position (GRCh38, 1-based): chr11:71,092,507, C>T on the plus strand (G>A on the coding strand, the complement: SHANK2 is on the minus strand). VCF-style: chr11-71092507-C-T. GRCh37 (hg19) VCF-style: chr11-70803553-C-T.
Other names: c.827G>A, p.Gly276Asp (NM_001441024.1, NM_001441035.1, NM_001441036.1 and 12 more transcripts); c.755G>A, p.Gly252Asp (NM_001441038.1); short protein forms G252D, G276D.
Identifiers: ClinVar variation 4083972 (VCV004083972.8).

ClinVar aggregate classification (germline): Uncertain significance (1 of 4 stars; one submission).

gnomAD v4.1: 1 of 1,551,732 alleles (0.000064%); highest among the groups gnomAD compares: Non-Finnish European, 0.000087%; no homozygotes.

Submission:

CeGaT Center for Human Genetics Tuebingen
Classification: Uncertain significance. Last evaluated: 2025-08-01. Review status: criteria provided, single submitter. Criteria: CeGaT Center For Human Genetics Tuebingen Variant Classification Criteria Version 2. Collection method: clinical testing. Allele origin: germline. Affected: yes. Observed: 1 variant allele.
Comment: SHANK2: PM2